The following is an entry in ClinVar:

NM_001130438.3(SPTAN1):c.5148+2T>C

Gene: SPTAN1 (spectrin alpha, non-erythrocytic 1; plus strand). Cytogenetic location: 9q34.11.
Variant type: single nucleotide variant.
Coding change: c.5148+2T>C on transcript NM_001130438.3 (MANE Select); the canonical splice donor site of the intron after coding-DNA position 5148, T replaced by C.
Molecular consequence: splice donor variant.
Genome position (GRCh38, 1-based): chr9:128,613,487, T>C. VCF-style: chr9-128613487-T-C. GRCh37 (hg19) VCF-style: chr9-131375766-T-C.
Other names: c.5184+2T>C (NM_001375318.1, NM_001375312.2, NM_001438440.1); c.5148+2T>C (NM_001375311.2, NM_001375310.1, NM_001363759.2 and 1 more transcripts); c.5088+2T>C (NM_001375314.2, NM_001363765.2, NM_001438442.1); c.5133+2T>C (NM_001438445.1, NM_003127.4, NM_001438443.1); c.5073+2T>C (NM_001438444.1, NM_001195532.2, NM_001438441.1).
Identifiers: ClinVar variation 4715577 (VCV004715577.1).
Genomic context (GRCh38, chr9:128,613,487, plus strand): 5'-CTGTGAACAACCTGCTGAAAAAGCATCAACTGCTGGAAGCAGATATATCTGCCCATGAGG[T>C]AAGCAAAGGGAGGCGGGCCAGGCCCGAGTGCCTGGGACACAGCTCTGCCTGACTCCTAAG-3'

ClinVar aggregate classification (germline): Likely pathogenic (1 of 4 stars; one submission).

Conditions:
Early-infantile DEE. Also called: Early infantile epileptic encephalopathy; Ohtahara syndrome; Early infantile epileptic encephalopathy with suppression bursts. Identifiers: Orphanet 1934, MedGen C0393706, MONDO:0800491.

Submission:

Labcorp Genetics (formerly Invitae), Labcorp
Classification: Likely pathogenic for Early-infantile DEE. Last evaluated: 2025-06-15. Review status: criteria provided, single submitter. Criteria: Invitae Variant Classification Sherloc (09022015). Collection method: clinical testing. Allele origin: germline.
Comment: This sequence change affects a donor splice site in intron 40 of the SPTAN1 gene. It is expected to disrupt RNA splicing. Variants that disrupt the donor or acceptor splice site typically lead to a loss of protein function (PMID: 16199547), and loss-of-function variants in SPTAN1 are known to be pathogenic (PMID: 31332438, 33206935). This variant is not present in population databases (gnomAD no frequency). This variant has not been reported in the literature in individuals affected with SPTAN1-related conditions. Algorithms developed to predict the effect of sequence changes on RNA splicing suggest that this variant may disrupt the consensus splice site. In summary, the currently available evidence indicates that the variant is pathogenic, but additional data are needed to prove that conclusively. Therefore, this variant has been classified as Likely Pathogenic.

Literature cited by the submitters: PubMed 16199547; PubMed 31332438; PubMed 33206935.